The following is an entry in ClinVar:

ClinVar aggregate classification (germline): Pathogenic. Review status: reviewed by expert panel (3 of 4 stars). 13 submissions from 13 submitters: Pathogenic (1). 12 of the submissions do not count toward it. Last evaluated 2016-04-22.

Conditions:
Fanconi anemia, complementation group S (FANCS). Identifiers: MedGen C4554406, MONDO:0054748, OMIM 617883.
Hereditary cancer-predisposing syndrome. Also called: Tumor predisposition; Neoplastic Syndromes, Hereditary; Hereditary Cancer Syndrome; Hereditary neoplastic syndrome. Identifiers: Orphanet 140162, MedGen C0027672, MeSH D009386, MONDO:0015356.
Ovarian cancer. Also called: OVARIAN CANCER, SOMATIC. Identifiers: Orphanet 213500, MedGen C1140680, MONDO:0008170, OMIM 167000.
Hereditary breast ovarian cancer syndrome. Also called: Hereditary breast and ovarian cancer syndrome (HBOC); Hereditary breast and ovarian cancer syndrome; Hereditary breast and ovarian cancer; Hereditary breast and/or ovarian cancer syndrome; Breast and ovarian cancer; BRCA1- and BRCA2-Associated Hereditary Breast and Ovarian Cancer. Identifiers: Orphanet 145, MedGen C0677776, MeSH D061325, MONDO:0003582. Disease mechanism: loss of function.
Breast-ovarian cancer, familial, susceptibility to, 1 (BROVCA1). Also called: OVARIAN CANCER, SUSCEPTIBILITY TO; BRCA1 Hereditary Breast and Ovarian Cancer. Identifiers: Orphanet 145, MedGen C2676676, MONDO:0011450, OMIM 604370. Disease mechanism: loss of function.

Submissions (14):

Evidence-based Network for the Interpretation of Germline Mutant Alleles (ENIGMA)
Classification: Pathogenic for Breast-ovarian cancer, familial, susceptibility to, 1. Last evaluated: 2016-04-22. Review status: reviewed by expert panel. Criteria: ENIGMA BRCA1/2 Classification Criteria (2015). Collection method: curation. Allele origin: germline.
Comment: Variant allele predicted to encode a truncated non-functional protein.

Labcorp Genetics (formerly Invitae), Labcorp
Classification: Pathogenic for Hereditary breast ovarian cancer syndrome. Last evaluated: 2026-01-31. Review status: criteria provided, single submitter. Criteria: Invitae Variant Classification Sherloc (09022015). Collection method: clinical testing. Allele origin: germline. Not counted in ClinVar's aggregate classification.
Comment: This sequence change creates a premature translational stop signal (p.Gln60*) in the BRCA1 gene. It is expected to result in an absent or disrupted protein product. Loss-of-function variants in BRCA1 are known to be pathogenic (PMID: 20104584). This variant is not present in population databases (gnomAD no frequency). This premature translational stop signal has been observed in individual(s) with breast and/or ovarian cancer (PMID: 9333265). This variant is also known as 297C>A. ClinVar contains an entry for this variant (Variation ID: 54349). RNA analysis performed to evaluate the impact of this premature translational stop signal on mRNA splicing indicates it does not significantly alter splicing (internal data). For these reasons, this variant has been classified as Pathogenic.

Institute of Medical Genetics and Applied Genomics, University Hospital Tübingen
Classification: Pathogenic for Ovarian cancer. Last evaluated: 2024-08-21. Review status: criteria provided, single submitter. Criteria: ACMG Guidelines, 2015. Collection method: clinical testing. Allele origin: germline. Inheritance: Autosomal dominant inheritance. Affected: yes. Not counted in ClinVar's aggregate classification.

GeneDx
Classification: Pathogenic. Last evaluated: 2024-02-09. Review status: criteria provided, single submitter. Criteria: GeneDx Variant Classification Process June 2021. Collection method: clinical testing. Allele origin: germline. Affected: yes. Not counted in ClinVar's aggregate classification.
Comment: Nonsense variant predicted to result in protein truncation or nonsense mediated decay in a gene for which loss of function is a known mechanism of disease; Not observed at significant frequency in large population cohorts (gnomAD); Truncating variants in this gene are considered pathogenic by a well-established clinical consortium and/or database; Also known as 297C>T; This variant is associated with the following publications: (PMID: 20215541, 26295337, 25823446, 29453630, 19941162, 24249303, 9333265, 30702160, 29446198, 30548481, 31825140, 33151324, 25525159, 32741062, 28176296, 30209399)

Quest Diagnostics Nichols Institute San Juan Capistrano
Classification: Pathogenic. Last evaluated: 2023-10-16. Review status: criteria provided, single submitter. Criteria: Quest Diagnostics criteria. Collection method: clinical testing. Allele origin: unknown. Not counted in ClinVar's aggregate classification.
Comment: The BRCA1 c.178C>T (p.Gln60*) variant causes the premature termination of BRCA1 protein synthesis. This variant has been reported in the published literature in in individuals with breast and or ovarian cancer (PMID: 9333265 (1997), 24249303 (2015), 28176296 (2017), 29176636 (2018), 30702160 (2019), 33047316 (2021), 36881271 (2023)). Published functional studies showed defective or loss of functional activity of the BRCA1 protein (PMID: 25823446 (2015), 30209399 (2018)). Based on the available information, this variant is classified as pathogenic.

Department of Pathology and Laboratory Medicine, Sinai Health System
Classification: Pathogenic for Fanconi anemia, complementation group S. Last evaluated: 2022-10-05. Review status: criteria provided, single submitter. Criteria: ACMG Guidelines, 2015. Collection method: clinical testing. Allele origin: germline. Affected: no. Not counted in ClinVar's aggregate classification.

Ambry Genetics
Classification: Pathogenic for Hereditary cancer-predisposing syndrome. Last evaluated: 2020-12-16. Review status: criteria provided, single submitter. Criteria: Ambry Variant Classification Scheme 2023. Collection method: clinical testing. Allele origin: germline. Not counted in ClinVar's aggregate classification.
Comment: The p.Q60* pathogenic mutation (also known as c.178C>T), located in coding exon 3 of the BRCA1 gene, results from a C to T substitution at nucleotide position 178. This changes the amino acid from a glutamine to a stop codon within coding exon 3. This alteration has been identified in multiple families with breast and/or ovarian cancer (Arai M et al. J Hum Genet, 2018 Apr;63:447-457; Bhaskaran SP et al. Int J Cancer, 2019 08;145:962-973; Nakamura S et al. Breast Cancer, 2015 Sep;22:462-8; Rebbeck TR et al. Hum Mutat, 2018 05;39:593-620; Schroeder C et al. Breast Cancer Res Treat, 2010 Jul;122:287-97; Shattuck-Eidens D et al. JAMA, 1997 Oct;278:1242-50; Shi T et al. Int J Cancer, 2017 05;140:2051-2059; Yamauchi H et al. Breast Cancer Res Treat, 2018 Dec;172:679-687; Zhang S et al. Gynecol Oncol, 2011 May;121:353-7). Additionally, this alteration was found to be deleterious in multiple functional assays (Starita LM et al. Genetics, 2015 Jun;200:413-22; Findlay GM et al. Nature, 2018 10;562:217-222). In addition to the clinical data presented in the literature, this alteration is expected to result in loss of function by premature protein truncation or nonsense-mediated mRNA decay. As such, this alteration is interpreted as a disease-causing mutation.

Department of Molecular Diagnostics, Institute of Oncology Ljubljana
Classification: Pathogenic for Breast-ovarian cancer, familial, susceptibility to, 1. Last evaluated: 2020-04-02. Review status: criteria provided, single submitter. Criteria: ACMG Guidelines, 2015. Collection method: clinical testing. Allele origin: germline. Affected: yes. Not counted in ClinVar's aggregate classification.

Consortium of Investigators of Modifiers of BRCA1/2 (CIMBA), c/o University of Cambridge
Classification: Pathogenic for Breast-ovarian cancer, familial, susceptibility to, 1. Last evaluated: 2015-10-02. Review status: criteria provided, single submitter. Criteria: CIMBA Mutation Classification guidelines May 2016. Collection method: clinical testing. Allele origin: germline. Not counted in ClinVar's aggregate classification.

KCCC/NGS Laboratory, Kuwait Cancer Control Center
Classification: Pathogenic for Breast-ovarian cancer, familial, susceptibility to, 1. Last evaluated: 2023-05-05. Review status: no assertion criteria provided. Collection method: clinical testing. Allele origin: germline. Affected: yes. Not counted in ClinVar's aggregate classification.
Comment: Pathogenic mutations in the BRCA1 gene cause Hereditary Breast/Ovarian Cancer syndrome (HBOC).

Research Molecular Genetics Laboratory, Women's College Hospital, University of Toronto
Classification: Pathogenic for Hereditary breast ovarian cancer syndrome. Last evaluated: 2014-01-31. Review status: no assertion criteria provided. Collection method: research. Allele origin: germline. Affected: yes. Study: The Canadian Open Genetics Repository (COGR). Not counted in ClinVar's aggregate classification.

Sharing Clinical Reports Project (SCRP)
Classification: Pathogenic for Breast-ovarian cancer, familial 1. Last evaluated: 2009-12-29. Review status: no assertion criteria provided. Collection method: clinical testing. Allele origin: germline. Not counted in ClinVar's aggregate classification.

Breast Cancer Information Core (BIC) (BRCA1)
Classification: Pathogenic for Breast-ovarian cancer, familial 1. Last evaluated: 2002-05-29. Review status: no assertion criteria provided. Collection method: clinical testing. Allele origin: germline. Affected: yes. Observed: 4 variant alleles. Not counted in ClinVar's aggregate classification.

Brotman Baty Institute, University of Washington
No classification provided (evidence only). Condition: Breast-ovarian cancer, familial 1. Review status: no classification provided. Collection method: in vitro. Allele origin: not applicable. Functional consequence: functionally_abnormal. Not counted in ClinVar's aggregate classification.
ClinVar note: "not provided" was previously submitted as the classification for the variant. However, the classification appeared to be based only on an observation of functional data so it was converted to no classification on 2025-07-30.

Literature cited by the submitters: PubMed 20104584 (cited by Labcorp Genetics (formerly Invitae), Labcorp and KCCC/NGS Laboratory, Kuwait Cancer Control Center); PubMed 9333265 (cited by 3 submitters); PubMed 24249303 (cited by Quest Diagnostics Nichols Institute San Juan Capistrano and Ambry Genetics); PubMed 36881271 (cited by Quest Diagnostics Nichols Institute San Juan Capistrano); PubMed 20215541 (cited by Quest Diagnostics Nichols Institute San Juan Capistrano); PubMed 30209399 (cited by Quest Diagnostics Nichols Institute San Juan Capistrano and Ambry Genetics); PubMed 33047316 (cited by Quest Diagnostics Nichols Institute San Juan Capistrano); PubMed 28176296 (cited by Quest Diagnostics Nichols Institute San Juan Capistrano and Ambry Genetics); PubMed 30702160 (cited by Quest Diagnostics Nichols Institute San Juan Capistrano and Ambry Genetics); PubMed 29176636 (cited by Quest Diagnostics Nichols Institute San Juan Capistrano and Ambry Genetics); PubMed 25823446 (cited by Quest Diagnostics Nichols Institute San Juan Capistrano and Ambry Genetics); PubMed 26295337 (cited by Quest Diagnostics Nichols Institute San Juan Capistrano); PubMed 19941162 (cited by Ambry Genetics); PubMed 21324516 (cited by Ambry Genetics); PubMed 29446198 (cited by Ambry Genetics); PubMed 30203341 (cited by Ambry Genetics); PubMed 30548481 (cited by Ambry Genetics).

NM_007294.4(BRCA1):c.178C>T (p.Gln60Ter)

Gene: BRCA1 (BRCA1 DNA repair associated; minus strand). Cytogenetic location: 17q21.31.
Variant type: single nucleotide variant.
Coding change: c.178C>T on transcript NM_007294.4 (MANE Select); coding-DNA position 178, C replaced by T.
Protein change: p.Gln60Ter; replaces glutamine 60 with a stop codon.
Molecular consequence: nonsense. On other transcripts: non-coding transcript variant (1).
Genome position (GRCh38, 1-based): chr17:43,106,490, G>A on the plus strand (C>T on the coding strand, the complement: BRCA1 is on the minus strand). VCF-style: chr17-43106490-G-A. GRCh37 (hg19) VCF-style: chr17-41258507-G-A.
Other names: 297C>T; c.37C>T, p.Gln13Ter (NM_001407746.1, NM_001407747.1, NM_001407748.1 and 99 more transcripts); c.-11C>T (NM_001407853.1, NM_001407879.1, NM_001407881.1 and 58 more transcripts); c.178C>T, p.Gln60Ter (NM_001407854.1, NM_001407858.1, NM_001407859.1 and 168 more transcripts); c.178C>T (NM_007300.3); short protein forms Q60*, Q13*.
Identifiers: ClinVar variation 54349 (VCV000054349.26), dbSNP rs80357471, ClinGen allele CA001162.